The following is an entry in ClinVar:

ClinVar aggregate classification (germline): Uncertain significance (1 of 4 stars; one submission).

Submission:

GeneDx
Classification: Uncertain significance. Last evaluated: 2025-02-19. Review status: criteria provided, single submitter. Criteria: GeneDx Variant Classification Process June 2021. Collection method: clinical testing. Allele origin: germline. Affected: yes.
Comment: Not observed at significant frequency in large population cohorts (gnomAD); In silico analysis supports that this missense variant has a deleterious effect on protein structure/function; Has not been previously published as pathogenic or benign to our knowledge

NM_001081550.2(THOC2):c.3890A>T (p.Lys1297Ile)

Gene: THOC2 (THO complex subunit 2; minus strand). Cytogenetic location: Xq25.
Variant type: single nucleotide variant.
Coding change: c.3890A>T on transcript NM_001081550.2 (MANE Select); coding-DNA position 3890, A replaced by T.
Protein change: p.Lys1297Ile; replaces lysine 1297 with isoleucine.
Molecular consequence: missense variant.
Genome position (GRCh38, 1-based): chrX:123,621,483, T>A on the plus strand (A>T on the coding strand, the complement: THOC2 is on the minus strand). VCF-style: chrX-123621483-T-A. GRCh37 (hg19) VCF-style: chrX-122755334-T-A.
Other names: c.3890A>T, p.Lys1297Ile (NM_001441235.1, NM_001441236.1); short protein forms K1297I.
Identifiers: ClinVar variation 4076819 (VCV004076819.1).